The following is an entry in ClinVar:

ClinVar aggregate classification (germline): Uncertain significance. Review status: criteria provided, multiple submitters, no conflicts (2 of 4 stars). 4 submissions from 4 submitters: Uncertain significance (4). Last evaluated 2023-02-27.

Conditions:
Inborn genetic diseases. Identifiers: MedGen C0950123, MeSH D030342.

Allele frequency attached by ClinVar (database versions not stated): TOPMed 0.00001; gnomAD 0.00003; gnomAD exomes 0.00004; ExAC 0.00007.
gnomAD v4.1: 70 of 1,614,128 alleles (0.0043%); highest among the groups gnomAD compares: Middle Eastern, 0.066%; 1 homozygote.

Submissions (4):

Blueprint Genetics
Classification: Uncertain significance. Last evaluated: 2023-02-27. Review status: criteria provided, single submitter. Criteria: ACMG Guidelines, 2015. Collection method: clinical testing. Allele origin: germline.

Labcorp Genetics (formerly Invitae), Labcorp
Classification: Uncertain significance. Last evaluated: 2022-03-15. Review status: criteria provided, single submitter. Criteria: Invitae Variant Classification Sherloc (09022015). Collection method: clinical testing. Allele origin: germline.
Comment: This sequence change replaces threonine, which is neutral and polar, with methionine, which is neutral and non-polar, at codon 803 of the TOP3A protein (p.Thr803Met). This variant is present in population databases (rs774009141, gnomAD 0.03%). This variant has not been reported in the literature in individuals affected with TOP3A-related conditions. Algorithms developed to predict the effect of missense changes on protein structure and function are either unavailable or do not agree on the potential impact of this missense change (SIFT: "Not Available"; PolyPhen-2: "Benign"; Align-GVGD: "Not Available"). In summary, the available evidence is currently insufficient to determine the role of this variant in disease. Therefore, it has been classified as a Variant of Uncertain Significance.

Ambry Genetics
Classification: Uncertain significance for Inborn genetic diseases. Last evaluated: 2021-11-22. Review status: criteria provided, single submitter. Criteria: Ambry Variant Classification Scheme 2023. Collection method: clinical testing. Allele origin: germline.

Revvity Omics, Revvity
Classification: Uncertain significance. Last evaluated: 2020-09-02. Review status: criteria provided, single submitter. Criteria: ACMG Guidelines, 2015. Collection method: clinical testing. Allele origin: germline.

NM_004618.5(TOP3A):c.2408C>T (p.Thr803Met)

Gene: TOP3A (DNA topoisomerase III alpha; minus strand). Cytogenetic location: 17p11.2.
Variant type: single nucleotide variant.
Coding change: c.2408C>T on transcript NM_004618.5 (MANE Select); coding-DNA position 2408, C replaced by T.
Protein change: p.Thr803Met; replaces threonine 803 with methionine.
Molecular consequence: missense variant.
Genome position (GRCh38, 1-based): chr17:18,278,094, G>A on the plus strand (C>T on the coding strand, the complement: TOP3A is on the minus strand). VCF-style: chr17-18278094-G-A. GRCh37 (hg19) VCF-style: chr17-18181408-G-A.
Other names: c.2123C>T, p.Thr708Met (NM_001320759.2); short protein forms T708M, T803M.
Identifiers: ClinVar variation 2082418 (VCV002082418.6), dbSNP rs774009141, ClinGen allele CA8429608.